The following is an entry in ClinVar:

ClinVar aggregate classification (germline): Uncertain significance. Review status: criteria provided, multiple submitters, no conflicts (2 of 4 stars). 2 submissions from 2 submitters: Uncertain significance (2). Last evaluated 2026-01-06.

Conditions:
COL1A2-related disorder. Also called: COL1A2-related condition; COL1A2-Related Disorders.
Ehlers-Danlos syndrome, classic type, 1 (EDSCL1). Also called: Ehlers-Danlos syndrome, type 1; Ehlers-Danlos Syndrome, Classic Type, COL5A1-Related; EDS I; EHLERS-DANLOS SYNDROME, GRAVIS TYPE; EHLERS-DANLOS SYNDROME, SEVERE CLASSIC TYPE. Identifiers: MedGen C0268335, MONDO:0019567, OMIM 130000.
Osteogenesis imperfecta type I (OI1). Also called: Lobstein's Disease; Lobstein disease; Classic Non-deforming Osteogenesis Imperfecta with Blue Sclerae; OI, TYPE I; OSTEOGENESIS IMPERFECTA TARDA; OSTEOGENESIS IMPERFECTA WITH BLUE SCLERAE. Identifiers: Orphanet 216796, Orphanet 666, MedGen C0023931, MONDO:0008146, OMIM 166200. Disease mechanism: loss of function.

Allele frequency attached by ClinVar (database versions not stated): gnomAD 0.00001; TOPMed 0.00003.
gnomAD v4.1: 6 of 1,613,870 alleles (0.00037%); highest among the groups gnomAD compares: African/African-American, 0.0067%; no homozygotes.

Submissions (2):

PreventionGenetics, part of Exact Sciences
Classification: Uncertain significance for COL1A2-related condition. Last evaluated: 2026-01-06. Review status: criteria provided, single submitter. Criteria: ACMG Guidelines, 2015. Collection method: clinical testing. Allele origin: germline.
Comment: The COL1A2 c.665G>C variant is predicted to result in the amino acid substitution p.Arg222Thr. To our knowledge, this variant has not been reported in the literature. This variant is reported in 0.0062% of alleles in individuals of African descent in gnomAD. At this time, the clinical significance of this variant is uncertain due to the absence of conclusive functional and genetic evidence.

Labcorp Genetics (formerly Invitae), Labcorp
Classification: Uncertain significance for Osteogenesis imperfecta type I; Ehlers-Danlos syndrome, classic type, 1. Last evaluated: 2023-07-21. Review status: criteria provided, single submitter. Criteria: Invitae Variant Classification Sherloc (09022015). Collection method: clinical testing. Allele origin: germline.
Comment: In summary, the available evidence is currently insufficient to determine the role of this variant in disease. Therefore, it has been classified as a Variant of Uncertain Significance. Advanced modeling of protein sequence and biophysical properties (such as structural, functional, and spatial information, amino acid conservation, physicochemical variation, residue mobility, and thermodynamic stability) has been performed at Invitae for this missense variant, however the output from this modeling did not meet the statistical confidence thresholds required to predict the impact of this variant on COL1A2 protein function. This variant has not been reported in the literature in individuals affected with COL1A2-related conditions. This sequence change replaces arginine, which is basic and polar, with threonine, which is neutral and polar, at codon 222 of the COL1A2 protein (p.Arg222Thr). This variant is present in population databases (no rsID available, gnomAD 0.007%).

NM_000089.4(COL1A2):c.665G>C (p.Arg222Thr)

Gene: COL1A2 (collagen type I alpha 2 chain; plus strand). Cytogenetic location: 7q21.3.
Variant type: single nucleotide variant.
Coding change: c.665G>C on transcript NM_000089.4 (MANE Select); coding-DNA position 665, G replaced by C.
Protein change: p.Arg222Thr; replaces arginine 222 with threonine.
Molecular consequence: missense variant.
Genome position (GRCh38, 1-based): chr7:94,408,208, G>C. VCF-style: chr7-94408208-G-C. GRCh37 (hg19) VCF-style: chr7-94037520-G-C.
Other names: short protein forms R222T.
Identifiers: ClinVar variation 2938910 (VCV002938910.4), dbSNP rs768685440, ClinGen allele CA368220271.
Genomic context (GRCh38, chr7:94,408,208, plus strand): 5'-ATTCTGGATTTTATTGAAAATATTTCTGCTTCTAGGGAGCCCGTGGGCTTCCTGGTGAGA[G>C]AGGACGTGTTGGTGCCCCTGGCCCAGCTGTAAGTGCTTCCATTTTTGTTCAGTTTCATCC-3'
Protein context (NP_000080.2, residues 212-232): QTGARGLPGE[Arg222Thr]GRVGAPGPAG